The following is an entry in ClinVar:

NM_032043.3(BRIP1):c.980C>G (p.Thr327Ser)

Gene: BRIP1 (BRCA1 interacting DNA helicase 1; minus strand). Cytogenetic location: 17q23.2.
Variant type: single nucleotide variant.
Coding change: c.980C>G on transcript NM_032043.3 (MANE Select); coding-DNA position 980, C replaced by G.
Protein change: p.Thr327Ser; replaces threonine 327 with serine.
Molecular consequence: missense variant.
Genome position (GRCh38, 1-based): chr17:61,801,413, G>C on the plus strand (C>G on the coding strand, the complement: BRIP1 is on the minus strand). VCF-style: chr17-61801413-G-C. GRCh37 (hg19) VCF-style: chr17-59878774-G-C.
Other names: short protein forms T327S.
Identifiers: ClinVar variation 2503317 (VCV002503317.2), dbSNP rs2145339793, ClinGen allele CA400484187.

ClinVar aggregate classification (germline): Uncertain significance. Review status: criteria provided, multiple submitters, no conflicts (2 of 4 stars). 2 submissions from 2 submitters: Uncertain significance (2). Last evaluated 2025-11-04.

Conditions:
Hereditary cancer-predisposing syndrome. Also called: Hereditary Cancer Syndrome; Hereditary neoplastic syndrome; Neoplastic Syndromes, Hereditary; Tumor predisposition. Identifiers: Orphanet 140162, MedGen C0027672, MeSH D009386, MONDO:0015356.

Submissions (2):

Ambry Genetics
Classification: Uncertain significance for Hereditary cancer-predisposing syndrome. Last evaluated: 2025-11-04. Review status: criteria provided, single submitter. Criteria: Ambry Variant Classification Scheme 2023. Collection method: clinical testing. Allele origin: germline.
Comment: The p.T327S variant (also known as c.980C>G), located in coding exon 7 of the BRIP1 gene, results from a C to G substitution at nucleotide position 980. The threonine at codon 327 is replaced by serine, an amino acid with similar properties. This amino acid position is conserved. In addition, this alteration is predicted to be tolerated by in silico analysis. Based on the available evidence, the clinical significance of this variant remains unclear.

GeneDx
Classification: Uncertain significance. Last evaluated: 2022-11-23. Review status: criteria provided, single submitter. Criteria: GeneDx Variant Classification Process June 2021. Collection method: clinical testing. Allele origin: germline. Affected: yes.
Comment: Not observed at significant frequency in large population cohorts (gnomAD); In silico analysis supports that this missense variant does not alter protein structure/function; Has not been previously published as pathogenic or benign to our knowledge